The following is an entry in ClinVar:

NM_001376013.1(EPB41):c.750T>G (p.Tyr250Ter)

Gene: EPB41 (erythrocyte membrane protein band 4.1; plus strand). Cytogenetic location: 1p35.3.
Variant type: single nucleotide variant.
Coding change: c.750T>G on transcript NM_001376013.1 (MANE Select); coding-DNA position 750, T replaced by G.
Protein change: p.Tyr250Ter; replaces tyrosine 250 with a stop codon.
Molecular consequence: nonsense. On other transcripts: intron variant (1).
Genome position (GRCh38, 1-based): chr1:28,997,283, T>G. VCF-style: chr1-28997283-T-G. GRCh37 (hg19) VCF-style: chr1-29323795-T-G.
Other names: c.750T>G, p.Tyr250Ter (NM_001166005.2, NM_001166006.2, NM_001376014.1 and 7 more transcripts); c.123T>G, p.Tyr41Ter (NM_001166007.2, NM_001376022.1, NM_001376023.1 and 7 more transcripts); c.681+3741T>G (NM_203343.3); short protein forms Y250*, Y41*.
Identifiers: ClinVar variation 4990990 (VCV004990990.1).

ClinVar aggregate classification (germline): Likely pathogenic (1 of 4 stars; one submission).

Conditions:
EPB41-related disorder. Also called: EPB41-related condition.

gnomAD v4.1: 1 of 1,614,012 alleles (0.000062%); highest among the groups gnomAD compares: Non-Finnish European, 0.000085%; no homozygotes.

Submission:

PreventionGenetics, part of Exact Sciences
Classification: Likely pathogenic for EPB41-related condition. Last evaluated: 2026-05-06. Review status: criteria provided, single submitter. Criteria: ACMG Guidelines, 2015. Collection method: clinical testing. Allele origin: germline.
Comment: The EPB41 c.123T>G variant is predicted to result in premature protein termination (p.Tyr41*). To our knowledge, this variant has not been reported in the literature or in a large population database (gnomAD), indicating this variant is rare. Nonsense variants in EPB41 are expected to be pathogenic. This variant is interpreted as likely pathogenic.